The following is an entry in ClinVar:

ClinVar aggregate classification (germline): Uncertain significance. Review status: criteria provided, multiple submitters, no conflicts (2 of 4 stars). 4 submissions from 4 submitters: Uncertain significance (3). 1 of the submissions does not count toward it. Last evaluated 2024-03-06.

Conditions:
Autosomal recessive limb-girdle muscular dystrophy type 2A (LGMDR1). Also called: LEYDEN-MOEBIUS MUSCULAR DYSTROPHY; MUSCULAR DYSTROPHY, PELVOFEMORAL; Limb-girdle muscular dystrophy, type 2A; Calpainopathy; Muscular dystrophy, limb-girdle, type 2A, Amish. Identifiers: Orphanet 267, MedGen C1869123, MONDO:0009675, OMIM 253600. Disease mechanism: loss of function.
Muscular dystrophy, limb-girdle, autosomal dominant 4. Also called: Calpain-3-related limb-girdle muscular dystrophy D4; MUSCULAR DYSTROPHY, LIMB-GIRDLE, TYPE 1I. Identifiers: Orphanet 565909, MedGen C4748295, MONDO:0029133, OMIM 618129.

Allele frequency attached by ClinVar (database versions not stated): gnomAD 0.00001 and 0.00002; TOPMed 0.00001; gnomAD exomes 0.00003 and 0.00004; ExAC 0.00006; 1000 Genomes Project 30x 0.00016; 1000 Genomes Project 0.00020.
gnomAD v4.1: 40 of 1,613,176 alleles (0.0025%); highest among the groups gnomAD compares: South Asian, 0.021%; no homozygotes.

Submissions (4):

Blueprint Genetics
Classification: Uncertain significance. Last evaluated: 2024-03-06. Review status: criteria provided, single submitter. Criteria: ACMG Guidelines, 2015. Collection method: clinical testing. Allele origin: germline.

GeneDx
Classification: Uncertain significance. Last evaluated: 2021-05-26. Review status: criteria provided, single submitter. Criteria: GeneDx Variant Classification Process June 2021. Collection method: clinical testing. Allele origin: germline. Affected: yes.
Comment: In silico analysis supports that this missense variant has a deleterious effect on protein structure/function; Has not been previously published as pathogenic or benign to our knowledge

Dubai Health Genomic Medicine Center, Dubai Health
Classification: Uncertain significance for Muscular dystrophy, limb-girdle, autosomal dominant 4. Last evaluated: 2020-09-02. Review status: criteria provided, single submitter. Criteria: ACMG Guidelines, 2015. Collection method: clinical testing. Allele origin: germline. Affected: yes.
Comment: The p.Ala754Thr missense variant in CAPN3 has not been previously reported in patients but was identified in 11/250612 (0.0044% 0 homozygotes) total alleles in the Genome Aggregation Database (gnomAD). Computational prediction tools and conservation analyses do not provide strong support for or against an impact to the protein. In summary additional information is needed to fully assess the clinical significance of this variant.

Bioscientia Institut fuer Medizinische Diagnostik GmbH, Sonic Healthcare
Classification: Uncertain significance for Autosomal recessive limb-girdle muscular dystrophy type 2A. Last evaluated: 2020-06-16. Review status: no assertion criteria provided. Collection method: clinical testing. Allele origin: germline. Affected: yes. Not counted in ClinVar's aggregate classification.

NM_000070.3(CAPN3):c.2260G>A (p.Ala754Thr)

Gene: CAPN3 (calpain 3; plus strand). Cytogenetic location: 15q15.1.
Variant type: single nucleotide variant.
Coding change: c.2260G>A on transcript NM_000070.3 (MANE Select); coding-DNA position 2260, G replaced by A.
Protein change: p.Ala754Thr; replaces alanine 754 with threonine.
Molecular consequence: missense variant.
Genome position (GRCh38, 1-based): chr15:42,410,663, G>A. VCF-style: chr15-42410663-G-A. GRCh37 (hg19) VCF-style: chr15-42702861-G-A.
Other names: c.2242G>A, p.Ala748Thr (NM_024344.2); c.1984G>A, p.Ala662Thr (NM_173087.2); c.724G>A, p.Ala242Thr (NM_173088.2); c.265G>A, p.Ala89Thr (NM_173089.2, NM_173090.2); short protein forms A242T, A662T, A748T, A754T, A89T.
Identifiers: ClinVar variation 992368 (VCV000992368.6), dbSNP rs137927542, ClinGen allele CA7511786.